The following is an entry in ClinVar:

NM_013382.7(POMT2):c.248+5G>C

Gene: POMT2 (protein O-mannosyltransferase 2; minus strand). Cytogenetic location: 14q24.3.
Variant type: single nucleotide variant.
Coding change: c.248+5G>C on transcript NM_013382.7 (MANE Select); 5 bases into the intron after coding-DNA position 248, G replaced by C.
Molecular consequence: intron variant.
Genome position (GRCh38, 1-based): chr14:77,320,429, C>G on the plus strand (G>C on the coding strand, the complement: POMT2 is on the minus strand). VCF-style: chr14-77320429-C-G. GRCh37 (hg19) VCF-style: chr14-77786772-C-G.
Other names: IVS1DS, G-C, +5.
Identifiers: ClinVar variation 3234 (VCV000003234.5), dbSNP rs587777816, ClinGen allele CA116104.

ClinVar aggregate classification (germline): Likely pathogenic. Review status: criteria provided, single submitter (1 of 4 stars). 2 submissions from 2 submitters: Likely pathogenic (1). 1 of the submissions does not count toward it. Last evaluated 2024-02-17.

Conditions:
Muscular dystrophy-dystroglycanopathy (congenital with brain and eye anomalies), type A2. Also called: WALKER-WARBURG SYNDROME OR MUSCLE-EYE-BRAIN DISEASE, POMT2-RELATED; MUSCULAR DYSTROPHY-DYSTROGLYCANOPATHY (CONGENITAL WITH BRAIN AND EYE ANOMALIES), TYPE A, 2. Identifiers: Orphanet 588, Orphanet 899, MedGen C3150411, MONDO:0013154, OMIM 613150.
Muscular dystrophy-dystroglycanopathy (congenital with impaired intellectual development), type B, 2. Also called: MUSCULAR DYSTROPHY, CONGENITAL, POMT2-RELATED; Muscular dystrophy-dystroglycanopathy (congenital with intellectual disability), type B2. Identifiers: MedGen C3150416, MONDO:0013160, OMIM 613156.
Autosomal recessive limb-girdle muscular dystrophy type 2N. Also called: Muscular dystrophy-dystroglycanopathy (limb-girdle), type C, 2; MUSCULAR DYSTROPHY-DYSTROGLYCANOPATHY, LIMB-GIRDLE, POMT2-RELATED. Identifiers: Orphanet 206559, MedGen C3150418, MONDO:0013162, OMIM 613158.

Allele frequency attached by ClinVar (database versions not stated): TOPMed 0.00001; gnomAD exomes 0.00001; gnomAD 0.00002.
gnomAD v4.1: 20 of 1,546,540 alleles (0.0013%); highest among the groups gnomAD compares: Non-Finnish European, 0.0016%; no homozygotes.

Submissions (2):

Labcorp Genetics (formerly Invitae), Labcorp
Classification: Likely pathogenic for Muscular dystrophy-dystroglycanopathy (congenital with impaired intellectual development), type B, 2; Muscular dystrophy-dystroglycanopathy (congenital with brain and eye anomalies), type A2; Autosomal recessive limb-girdle muscular dystrophy type 2N. Last evaluated: 2024-02-17. Review status: criteria provided, single submitter. Criteria: Invitae Variant Classification Sherloc (09022015). Collection method: clinical testing. Allele origin: germline.
Comment: This sequence change falls in intron 1 of the POMT2 gene. It does not directly change the encoded amino acid sequence of the POMT2 protein. RNA analysis indicates that this variant induces altered splicing and may result in an absent or disrupted protein product. The frequency data for this variant in the population databases is considered unreliable, as metrics indicate poor data quality at this position in the gnomAD database. This variant has been observed in individual(s) with congenital muscular dystrophy (PMID: 19138766). ClinVar contains an entry for this variant (Variation ID: 3234). Variants that disrupt the consensus splice site are a relatively common cause of aberrant splicing (PMID: 17576681, 9536098). Studies have shown that this variant results in activation of a cryptic splice site and introduces a premature termination codon (PMID: 19138766). The resulting mRNA is expected to undergo nonsense-mediated decay. In summary, the currently available evidence indicates that the variant is pathogenic, but additional data are needed to prove that conclusively. Therefore, this variant has been classified as Likely Pathogenic.

OMIM
Classification: Pathogenic for MUSCULAR DYSTROPHY-DYSTROGLYCANOPATHY (CONGENITAL WITH IMPAIRED INTELLECTUAL DEVELOPMENT), TYPE B, 2. Last evaluated: 2009-07-01. Review status: no assertion criteria provided. Collection method: literature only. Allele origin: germline. Not counted in ClinVar's aggregate classification.

Literature cited by the submitters: PubMed 19138766 (cited by Labcorp Genetics (formerly Invitae), Labcorp and OMIM); PubMed 17576681 (cited by Labcorp Genetics (formerly Invitae), Labcorp); PubMed 9536098 (cited by Labcorp Genetics (formerly Invitae), Labcorp).